The following is an entry in ClinVar:

NM_000053.4(ATP7B):c.3353G>A (p.Arg1118His)

Gene: ATP7B (ATPase copper transporting beta; minus strand). Cytogenetic location: 13q14.3.
Variant type: single nucleotide variant.
Coding change: c.3353G>A on transcript NM_000053.4 (MANE Select); coding-DNA position 3353, G replaced by A.
Protein change: p.Arg1118His; replaces arginine 1118 with histidine.
Molecular consequence: missense variant.
Genome position (GRCh38, 1-based): chr13:51,942,445, C>T on the plus strand (G>A on the coding strand, the complement: ATP7B is on the minus strand). VCF-style: chr13-51942445-C-T. GRCh37 (hg19) VCF-style: chr13-52516581-C-T.
Other names: c.2732G>A, p.Arg911His (NM_001005918.3); c.3020G>A, p.Arg1007His (NM_001243182.2); c.3119G>A, p.Arg1040His (NM_001330578.2, NM_001406538.1, NM_001406527.1 and 1 more transcripts); c.3101G>A, p.Arg1034His (NM_001330579.2, NM_001406532.1, NM_001406531.1); c.3353G>A, p.Arg1118His (NM_001406511.1, NM_001406512.1, NM_001406526.1); c.3347G>A, p.Arg1116His (NM_001406513.1); c.3320G>A, p.Arg1107His (NM_001406514.1); c.3299G>A, p.Arg1100His (NM_001406515.1, NM_001406516.1); and 20 more; short protein forms R1008H, R1053H, R1057H, R1059H, R1086H, R1118H, R837H, R891H.
Identifiers: ClinVar variation 2160235 (VCV002160235.4), dbSNP rs202233544, ClinGen allele CA6988728.
Genomic context (GRCh38, chr13:51,942,445, plus strand): 5'-CCTTTTTCTGCGGGAAGGCTGCCAGCCTCATTCAGGTGACTGGCCGGTGCACTCAAAGGG[C>T]GCTCACTGTGGGCCAGGATGCCTTCCACGTTGCTGACTTTGCACCCAATTCCACAGCCTG-3'
Protein context (NP_000044.2, residues 1108-1128): NVEGILAHSE[Arg1118His]PLSAPASHLN

ClinVar aggregate classification (germline): Uncertain significance. Review status: criteria provided, multiple submitters, no conflicts (2 of 4 stars). 3 submissions from 3 submitters: Uncertain significance (3). Last evaluated 2024-03-14.

Conditions:
Wilson disease (WND). Also called: Wilson's disease. Identifiers: Orphanet 905, MedGen C0019202, MONDO:0010200, OMIM 277900. Disease mechanism: loss of function.
Inborn genetic diseases. Identifiers: MedGen C0950123, MeSH D030342.

Allele frequency attached by ClinVar (database versions not stated): gnomAD exomes 0.00001; ExAC 0.00003; TOPMed 0.00003; gnomAD 0.00004; 1000 Genomes Project 0.00020; 1000 Genomes Project 30x 0.00031.
gnomAD v4.1: 22 of 1,614,196 alleles (0.0014%); highest among the groups gnomAD compares: African/African-American, 0.011%; no homozygotes.

Submissions (3):

All of Us Research Program, National Institutes of Health
Classification: Uncertain significance for Wilson disease. Last evaluated: 2024-03-14. Review status: criteria provided, single submitter. Criteria: ACMG Guidelines, 2015. Collection method: clinical testing. Allele origin: germline. Inheritance: Autosomal recessive inheritance. Observed: 6 variant alleles, 6 heterozygotes.
Comment: This missense variant replaces arginine with histidine at codon 1118 of the ATP7B protein. Computational prediction suggests that this variant may not impact protein structure and function (internally defined REVEL score threshold <= 0.5, PMID: 27666373). To our knowledge, functional studies have not been reported for this variant. This variant has not been reported in individuals affected with ATP7B-related disorders in the literature. This variant has been identified in 8/280970 chromosomes in the general population by the Genome Aggregation Database (gnomAD). The available evidence is insufficient to determine the role of this variant in disease conclusively. Therefore, this variant is classified as a Variant of Uncertain Significance.

This study involves interpretation of variants in research participants for the purpose of population health screening. Participant phenotype was not available at the time of variant classification. Additional details can be found in publication PMID: 35346344, PMCID: PMC8962531

Labcorp Genetics (formerly Invitae), Labcorp
Classification: Uncertain significance for Wilson disease. Last evaluated: 2022-08-09. Review status: criteria provided, single submitter. Criteria: Invitae Variant Classification Sherloc (09022015). Collection method: clinical testing. Allele origin: germline.
Comment: This sequence change replaces arginine, which is basic and polar, with histidine, which is basic and polar, at codon 1118 of the ATP7B protein (p.Arg1118His). This variant is present in population databases (rs202233544, gnomAD 0.02%). This missense change has been observed in individual(s) with clinical features of Wilson's disease (PMID: 28515472). Advanced modeling of protein sequence and biophysical properties (such as structural, functional, and spatial information, amino acid conservation, physicochemical variation, residue mobility, and thermodynamic stability) performed at Invitae indicates that this missense variant is not expected to disrupt ATP7B protein function. In summary, the available evidence is currently insufficient to determine the role of this variant in disease. Therefore, it has been classified as a Variant of Uncertain Significance.

Ambry Genetics
Classification: Uncertain significance for Inborn genetic diseases. Last evaluated: 2022-06-28. Review status: criteria provided, single submitter. Criteria: Ambry Variant Classification Scheme 2023. Collection method: clinical testing. Allele origin: germline.

Literature cited by the submitters: PubMed 28515472 (cited by Labcorp Genetics (formerly Invitae), Labcorp).